The following is an entry in ClinVar:

ClinVar aggregate classification (germline): Uncertain significance (1 of 4 stars; one submission).

Submission:

Labcorp Genetics (formerly Invitae), Labcorp
Classification: Uncertain significance. Last evaluated: 2024-01-22. Review status: criteria provided, single submitter. Criteria: Invitae Variant Classification Sherloc (09022015). Collection method: clinical testing. Allele origin: germline.
Comment: This sequence change replaces histidine, which is basic and polar, with arginine, which is basic and polar, at codon 391 of the TMTC3 protein (p.His391Arg). This variant is not present in population databases (gnomAD no frequency). This variant has not been reported in the literature in individuals affected with TMTC3-related conditions. ClinVar contains an entry for this variant (Variation ID: 2000253). An algorithm developed to predict the effect of missense changes on protein structure and function (PolyPhen-2) suggests that this variant is likely to be tolerated. In summary, the available evidence is currently insufficient to determine the role of this variant in disease. Therefore, it has been classified as a Variant of Uncertain Significance.

NM_181783.4(TMTC3):c.1172A>G (p.His391Arg)

Gene: TMTC3 (transmembrane O-mannosyltransferase targeting cadherins 3; plus strand). Cytogenetic location: 12q21.32.
Variant type: single nucleotide variant.
Coding change: c.1172A>G on transcript NM_181783.4 (MANE Select); coding-DNA position 1172, A replaced by G.
Protein change: p.His391Arg; replaces histidine 391 with arginine.
Molecular consequence: missense variant. On other transcripts: non-coding transcript variant (1).
Genome position (GRCh38, 1-based): chr12:88,172,718, A>G. VCF-style: chr12-88172718-A-G. GRCh37 (hg19) VCF-style: chr12-88566495-A-G.
Other names: c.992A>G, p.His331Arg (NM_001366574.1); c.953A>G, p.His318Arg (NM_001366579.1); c.905A>G, p.His302Arg (NM_001366580.1); c.479A>G, p.His160Arg (NM_001366583.1); short protein forms H318R, H331R, H391R, H160R, H302R.
Identifiers: ClinVar variation 2000253 (VCV002000253.4), dbSNP rs2138407358, ClinGen allele CA386114467.